The following is an entry in ClinVar:

NM_014141.6(CNTNAP2):c.2968G>A (p.Asp990Asn)

Genes: CNTNAP2 (contactin associated protein 2; plus strand), LOC126860216 (BRD4-independent group 4 enhancer GRCh37_chr7:147868766-147869965; plus strand). Cytogenetic location: 7q35.
Variant type: single nucleotide variant.
Coding change: c.2968G>A on transcript NM_014141.6 (MANE Select); coding-DNA position 2968, G replaced by A.
Protein change: p.Asp990Asn; replaces aspartic acid 990 with asparagine.
Molecular consequence: missense variant.
Genome position (GRCh38, 1-based): chr7:148,172,436, G>A. VCF-style: chr7-148172436-G-A. GRCh37 (hg19) VCF-style: chr7-147869528-G-A.
Other names: short protein forms D990N.
Identifiers: ClinVar variation 412001 (VCV000412001.12), dbSNP rs1060503572, ClinGen allele CA16612289.
Genomic context (GRCh38, chr7:148,172,436, plus strand): 5'-TATGGAACAAACTGTGAAAATGGAGGCAAATGCCTAGAGAGATACCACGGTTACTCCTGC[G>A]ATTGCTCTAATACTGCATATGATGGAACATTTTGCAACAAAGGTAAGGTGGAACCCATTT-3'
Protein context (NP_054860.1, residues 980-1000): CLERYHGYSC[Asp990Asn]CSNTAYDGTF

ClinVar aggregate classification (germline): Uncertain significance. Review status: criteria provided, multiple submitters, no conflicts (2 of 4 stars). 2 submissions from 2 submitters: Uncertain significance (2). Last evaluated 2022-12-02.

Conditions:
Inborn genetic diseases. Identifiers: MedGen C0950123, MeSH D030342.
Cortical dysplasia-focal epilepsy syndrome (PTHSL1). Also called: Pitt-Hopkins-like syndrome 1. Identifiers: Orphanet 163681, Orphanet 221150, MedGen C2750246, MONDO:0012400, OMIM 610042.

Allele frequency attached by ClinVar (database versions not stated): gnomAD exomes below 0.00001 and 0.00001; gnomAD 0.00001; TOPMed 0.00001.
gnomAD v4.1: 10 of 1,614,046 alleles (0.00062%); highest among the groups gnomAD compares: East Asian, 0.0022%; no homozygotes.

Submissions (2):

Labcorp Genetics (formerly Invitae), Labcorp
Classification: Uncertain significance for Cortical dysplasia-focal epilepsy syndrome. Last evaluated: 2022-12-02. Review status: criteria provided, single submitter. Criteria: Invitae Variant Classification Sherloc (09022015). Collection method: clinical testing. Allele origin: germline.
Comment: In summary, the available evidence is currently insufficient to determine the role of this variant in disease. Therefore, it has been classified as a Variant of Uncertain Significance. Algorithms developed to predict the effect of missense changes on protein structure and function are either unavailable or do not agree on the potential impact of this missense change (SIFT: "Deleterious"; PolyPhen-2: "Probably Damaging"; Align-GVGD: "Class C15"). ClinVar contains an entry for this variant (Variation ID: 412001). This variant has not been reported in the literature in individuals affected with CNTNAP2-related conditions. This variant is present in population databases (no rsID available, gnomAD 0.0009%). This sequence change replaces aspartic acid, which is acidic and polar, with asparagine, which is neutral and polar, at codon 990 of the CNTNAP2 protein (p.Asp990Asn).

Ambry Genetics
Classification: Uncertain significance for Inborn genetic diseases. Last evaluated: 2016-10-19. Review status: criteria provided, single submitter. Criteria: Ambry Variant Classification Scheme 2023. Collection method: clinical testing. Allele origin: germline.
Comment: The p.D990N variant (also known as c.2968G>A), located in coding exon 18 of the CNTNAP2 gene, results from a G to A substitution at nucleotide position 2968. The aspartic acid at codon 990 is replaced by asparagine, an amino acid with highly similar properties. This variant was not reported in population based cohorts in the following databases: Database of Single Nucleotide Polymorphisms (dbSNP), NHLBI Exome Sequencing Project (ESP), and 1000 Genomes Project. In the ESP, this variant was not observed in 6503 samples (13006 alleles) with coverage at this position. This amino acid position is highly conserved in available vertebrate species. In addition, this alteration is predicted to be tolerated by in silico analysis. Since supporting evidence is limited at this time, the clinical significance of this alteration remains unclear.